The following is an entry in ClinVar:

ClinVar aggregate classification (germline): Benign (1 of 4 stars; one submission).

Allele frequency attached by ClinVar (database versions not stated): gnomAD exomes 0.20677; ESP Exome Variant Server 0.28997; gnomAD 0.29120; TOPMed 0.29555; 1000 Genomes Project 0.33886; 1000 Genomes Project 30x 0.34806.
gnomAD v4.1: 332,943 of 1,541,286 alleles (22%); highest among the groups gnomAD compares: African/African-American, 54%; 42,945 homozygotes.

Submission:

Unidad de Genómica Garrahan, Hospital de Pediatría Garrahan
Classification: Benign. Last evaluated: 2024-01-24. Review status: criteria provided, single submitter. Criteria: ACMG Guidelines, 2015. Collection method: clinical testing. Allele origin: germline. Affected: no. Observed: 20 variant alleles.
Comment: This variant is classified as Benign based on local population frequency. This variant was detected in 21% of patients studied by a panel of primary immunodeficiencies. Number of patients: 20. Only high quality variants are reported.

NM_004946.3(DOCK2):c.1056-60A>G

Gene: DOCK2 (dedicator of cytokinesis 2; plus strand). Cytogenetic location: 5q35.1.
Variant type: single nucleotide variant.
Coding change: c.1056-60A>G on transcript NM_004946.3 (MANE Select); 60 bases into the intron before coding-DNA position 1056, A replaced by G.
Molecular consequence: intron variant.
Genome position (GRCh38, 1-based): chr5:169,699,322, A>G. VCF-style: chr5-169699322-A-G. GRCh37 (hg19) VCF-style: chr5-169126326-A-G.
Identifiers: ClinVar variation 2688340 (VCV002688340.2), dbSNP rs264847, ClinGen allele CA11952361.